The following is an entry in ClinVar:

NM_005228.5(EGFR):c.1939G>T (p.Ala647Ser)

Gene: EGFR (epidermal growth factor receptor; plus strand). Cytogenetic location: 7p11.2.
Variant type: single nucleotide variant.
Coding change: c.1939G>T on transcript NM_005228.5 (MANE Select); coding-DNA position 1939, G replaced by T.
Protein change: p.Ala647Ser; replaces alanine 647 with serine.
Molecular consequence: missense variant.
Genome position (GRCh38, 1-based): chr7:55,173,002, G>T. VCF-style: chr7-55173002-G-T. GRCh37 (hg19) VCF-style: chr7-55240695-G-T.
Other names: c.1804G>T, p.Ala602Ser (NM_001346897.2, NM_001346899.2); c.1939G>T, p.Ala647Ser (NM_001346898.2); c.1780G>T, p.Ala594Ser (NM_001346900.2); c.1138G>T, p.Ala380Ser (NM_001346941.2); short protein forms A380S, A602S, A647S, A594S.
Identifiers: ClinVar variation 4016712 (VCV004016712.1).

ClinVar aggregate classification (germline): Uncertain significance (1 of 4 stars; one submission).

Conditions:
Hereditary cancer-predisposing syndrome. Also called: Tumor predisposition; Hereditary neoplastic syndrome; Neoplastic Syndromes, Hereditary; Hereditary Cancer Syndrome. Identifiers: Orphanet 140162, MedGen C0027672, MeSH D009386, MONDO:0015356.

Submission:

Ambry Genetics
Classification: Uncertain significance for Hereditary cancer-predisposing syndrome. Last evaluated: 2025-03-29. Review status: criteria provided, single submitter. Criteria: Ambry Variant Classification Scheme 2023. Collection method: clinical testing. Allele origin: germline.
Comment: The p.A647S variant (also known as c.1939G>T), located in coding exon 17 of the EGFR gene, results from a G to T substitution at nucleotide position 1939. The alanine at codon 647 is replaced by serine, an amino acid with similar properties. This amino acid position is conserved. In addition, the in silico prediction for this alteration is inconclusive. Based on the available evidence, the clinical significance of this variant remains unclear.